The following is an entry in ClinVar:

NM_001174089.2(SLC4A11):c.1189G>A (p.Gly397Arg)

Gene: SLC4A11 (solute carrier family 4 member 11; minus strand). Cytogenetic location: 20p13.
Variant type: single nucleotide variant.
Coding change: c.1189G>A on transcript NM_001174089.2 (MANE Select); coding-DNA position 1189, G replaced by A.
Protein change: p.Gly397Arg; replaces glycine 397 with arginine.
Molecular consequence: missense variant. On other transcripts: non-coding transcript variant (3), intron variant (2).
Genome position (GRCh38, 1-based): chr20:3,230,825, C>T on the plus strand (G>A on the coding strand, the complement: SLC4A11 is on the minus strand). VCF-style: chr20-3230825-C-T. GRCh37 (hg19) VCF-style: chr20-3211471-C-T.
Other names: c.1318G>A, p.Gly440Arg (NM_001174090.2); c.1132G>A, p.Gly378Arg (NM_001400277.1, NM_001400278.1, NM_001400279.1); c.1237G>A, p.Gly413Arg (NM_032034.4); c.1168+108G>A (NM_001363745.2); c.1297+108G>A (NM_001400280.1); c.1237G>A (NM_032034.3); short protein forms G397R, G378R, G413R, G440R.
Identifiers: ClinVar variation 2906617 (VCV002906617.4), dbSNP rs1286683365, ClinGen allele CA408089027.

ClinVar aggregate classification (germline): Pathogenic/Likely pathogenic. Review status: criteria provided, multiple submitters, no conflicts (2 of 4 stars). 3 submissions from 3 submitters: Pathogenic (1); Likely pathogenic (2). Last evaluated 2025-04-15.

Conditions:
Corneal dystrophy-perceptive deafness syndrome (CDPD). Also called: CORNEAL DYSTROPHY AND SENSORINEURAL DEAFNESS; HARBOYAN SYNDROME. Identifiers: Orphanet 1490, MedGen C1857572, MONDO:0009015, OMIM 217400.
Congenital hereditary endothelial dystrophy of cornea. Also called: Congenital hereditary endothelial dystrophy of the cornea; Maumenee corneal dystrophy; Corneal endothelial dystrophy, autosomal recessive; CORNEAL DYSTROPHY, CONGENITAL HEREDITARY ENDOTHELIAL; Congenital hereditary endothelial dystrophy type II. Identifiers: Orphanet 293603, MedGen C1857569, MONDO:0009019, OMIM 217700.

Allele frequency attached by ClinVar (database versions not stated): TOPMed below 0.00001; gnomAD 0.00001.
gnomAD v4.1: 23 of 1,613,186 alleles (0.0014%); highest among the groups gnomAD compares: East Asian, 0.0022%; no homozygotes.

Submissions (3):

First Genomix Gene Laboratory, Genetic Diagnostics Department
Classification: Likely pathogenic for Corneal dystrophy-perceptive deafness syndrome; Congenital hereditary endothelial dystrophy of cornea. Last evaluated: 2025-04-15. Review status: criteria provided, single submitter. Criteria: ACMG Guidelines, 2015. Collection method: clinical testing. Allele origin: germline. Inheritance: Autosomal recessive inheritance. Affected: no. Observed: 1 variant allele.

Natera, Inc.
Classification: Likely pathogenic for Corneal dystrophy-perceptive deafness syndrome. Last evaluated: 2024-10-11. Review status: criteria provided, single submitter. Criteria: Natera Variant Classification Schema (03/2026). Collection method: clinical testing. Allele origin: germline.
Comment: The c.1237G>A variant in SLC4A11 is a missense variant predicted to cause substitution of glycine to arginine at amino acid 413. This variant is rare in the general population with a frequency below the threshold expected for the associated phenotype(s). This variant has been observed in one or more individuals affected with the associated recessive disease, as either homozygous or compound heterozygous with a second variant (PMID: 35291925, 31555324, 31323090). This variant has been observed to segregate in affected family members (PMID: 35291925). Computational prediction algorithms indicate this variant is likely to affect gene or protein function. Given the available evidence, this variant is classified as Likely Pathogenic.

Labcorp Genetics (formerly Invitae), Labcorp
Classification: Pathogenic. Last evaluated: 2024-01-22. Review status: criteria provided, single submitter. Criteria: Invitae Variant Classification Sherloc (09022015). Collection method: clinical testing. Allele origin: germline.
Comment: This sequence change replaces glycine, which is neutral and non-polar, with arginine, which is basic and polar, at codon 413 of the SLC4A11 protein (p.Gly413Arg). This variant is not present in population databases (gnomAD no frequency). This missense change has been observed in individual(s) with autosomal recessive congenital hereditary endothelial dystrophy (PMID: 31323090, 35291925, 35672901). In at least one individual the data is consistent with being in trans (on the opposite chromosome) from a pathogenic variant. It has also been observed to segregate with disease in related individuals. Advanced modeling of protein sequence and biophysical properties (such as structural, functional, and spatial information, amino acid conservation, physicochemical variation, residue mobility, and thermodynamic stability) has been performed at Invitae for this missense variant, however the output from this modeling did not meet the statistical confidence thresholds required to predict the impact of this variant on SLC4A11 protein function. For these reasons, this variant has been classified as Pathogenic.

Literature cited by the submitters: PubMed 35291925 (cited by Natera, Inc. and Labcorp Genetics (formerly Invitae), Labcorp); PubMed 31555324 (cited by Natera, Inc.); PubMed 31323090 (cited by Natera, Inc. and Labcorp Genetics (formerly Invitae), Labcorp); PubMed 35672901 (cited by Labcorp Genetics (formerly Invitae), Labcorp).